The following is an entry in ClinVar:

ClinVar aggregate classification (germline): Uncertain significance (1 of 4 stars; one submission).

Conditions:
Capillary malformation-arteriovenous malformation syndrome. Also called: Capillary malformation-arteriovenous malformation. Identifiers: Orphanet 137667, MedGen C1842180, MONDO:0012016.

Allele frequency attached by ClinVar (database versions not stated): TOPMed below 0.00001.

Submission:

Labcorp Genetics (formerly Invitae), Labcorp
Classification: Uncertain significance for Capillary malformation-arteriovenous malformation syndrome. Last evaluated: 2022-05-26. Review status: criteria provided, single submitter. Criteria: Invitae Variant Classification Sherloc (09022015). Collection method: clinical testing. Allele origin: germline.
Comment: This sequence change replaces cysteine, which is neutral and slightly polar, with arginine, which is basic and polar, at codon 771 of the RASA1 protein (p.Cys771Arg). This variant is not present in population databases (gnomAD no frequency). This variant has not been reported in the literature in individuals affected with RASA1-related conditions. Algorithms developed to predict the effect of missense changes on protein structure and function output the following: SIFT: "Tolerated"; PolyPhen-2: "Benign"; Align-GVGD: "Class C0". The arginine amino acid residue is found in multiple mammalian species, which suggests that this missense change does not adversely affect protein function. In summary, the available evidence is currently insufficient to determine the role of this variant in disease. Therefore, it has been classified as a Variant of Uncertain Significance.

NM_002890.3(RASA1):c.2311T>C (p.Cys771Arg)

Genes: CCNH (cyclin H; minus strand), RASA1 (RAS p21 protein activator 1; plus strand). Cytogenetic location: 5q14.3.
Variant type: single nucleotide variant.
Coding change: c.2311T>C on transcript NM_002890.3 (MANE Select); coding-DNA position 2311, T replaced by C.
Protein change: p.Cys771Arg; replaces cysteine 771 with arginine.
Molecular consequence: missense variant. On other transcripts: intron variant (1).
Genome position (GRCh38, 1-based): chr5:87,377,007, T>C. VCF-style: chr5-87377007-T-C. GRCh37 (hg19) VCF-style: chr5-86672824-T-C.
Other names: c.1780T>C, p.Cys594Arg (NM_022650.3); c.933+18037A>G (NM_001364075.2); short protein forms C594R, C771R.
Identifiers: ClinVar variation 2199457 (VCV002199457.3), dbSNP rs1761373212, ClinGen allele CA360381100.
Genomic context (GRCh38, chr5:87,377,007, plus strand): 5'-CTACTGGCCAGCATCCTACTGAGGATTTTTCTTCACGAAAAGCTTGAATCGTTGTTGTTA[T>C]GCACACTAAATGACAGAGAAATAAGCATGGAAGGTATGGTATGGCCATGTTAGTGTGATA-3'
Protein context (NP_002881.1, residues 761-781): LHEKLESLLL[Cys771Arg]TLNDREISME